The following is an entry in ClinVar:

NM_001009999.3(KDM1A):c.160G>A (p.Ala54Thr)

Gene: KDM1A (lysine demethylase 1A; plus strand). Cytogenetic location: 1p36.12.
Variant type: single nucleotide variant.
Coding change: c.160G>A on transcript NM_001009999.3 (MANE Select); coding-DNA position 160, G replaced by A.
Protein change: p.Ala54Thr; replaces alanine 54 with threonine.
Molecular consequence: missense variant.
Genome position (GRCh38, 1-based): chr1:23,019,756, G>A. VCF-style: chr1-23019756-G-A. GRCh37 (hg19) VCF-style: chr1-23346249-G-A.
Other names: c.160G>A, p.Ala54Thr (NM_001363654.2, NM_015013.4); short protein forms A54T.
Identifiers: ClinVar variation 1699343 (VCV001699343.12), dbSNP rs1358497272, ClinGen allele CA338951084.

ClinVar aggregate classification (germline): Conflicting classifications of pathogenicity. Review status: criteria provided, conflicting classifications (1 of 4 stars). 4 submissions from 4 submitters: Uncertain significance (3); Likely benign (1). Last evaluated 2025-10-01.

Conditions:
Palatal anomalies-widely spaced teeth-facial dysmorphism-developmental delay syndrome. Also called: Cleft palate, psychomotor retardation, and distinctive facial features. Identifiers: Orphanet 477993, MedGen C4225229, MONDO:0014751, OMIM 616728.
Inborn genetic diseases. Identifiers: MedGen C0950123, MeSH D030342.

Allele frequency attached by ClinVar (database versions not stated): TOPMed 0.00003; gnomAD exomes 0.00004; gnomAD 0.00009.

Submissions (4):

CeGaT Center for Human Genetics Tuebingen
Classification: Likely benign. Last evaluated: 2025-10-01. Review status: criteria provided, single submitter. Criteria: CeGaT Center For Human Genetics Tuebingen Variant Classification Criteria Version 2. Collection method: clinical testing. Allele origin: germline. Affected: yes. Observed: 1 variant allele.
Comment: KDM1A: BS2

Labcorp Genetics (formerly Invitae), Labcorp
Classification: Uncertain significance. Last evaluated: 2025-02-17. Review status: criteria provided, single submitter. Criteria: Invitae Variant Classification Sherloc (09022015). Collection method: clinical testing. Allele origin: germline.
Comment: This sequence change replaces alanine, which is neutral and non-polar, with threonine, which is neutral and polar, at codon 54 of the KDM1A protein (p.Ala54Thr). This variant is not present in population databases (gnomAD no frequency). This variant has not been reported in the literature in individuals affected with KDM1A-related conditions. ClinVar contains an entry for this variant (Variation ID: 1699343). An algorithm developed to predict the effect of missense changes on protein structure and function (PolyPhen-2) suggests that this variant is likely to be tolerated. In summary, the available evidence is currently insufficient to determine the role of this variant in disease. Therefore, it has been classified as a Variant of Uncertain Significance.

Ambry Genetics
Classification: Uncertain significance for Inborn genetic diseases. Last evaluated: 2024-10-04. Review status: criteria provided, single submitter. Criteria: Ambry Variant Classification Scheme 2023. Collection method: clinical testing. Allele origin: germline.
Comment: The p.A54T variant (also known as c.160G>A), located in coding exon 1 of the KDM1A gene, results from a G to A substitution at nucleotide position 160. The alanine at codon 54 is replaced by threonine, an amino acid with similar properties. This amino acid position is conserved. In addition, this alteration is predicted to be tolerated by in silico analysis. Based on the available evidence, the clinical significance of this variant remains unclear.

Victorian Clinical Genetics Services, Murdoch Childrens Research Institute
Classification: Uncertain significance for Palatal anomalies-widely spaced teeth-facial dysmorphism-developmental delay syndrome. Last evaluated: 2019-08-28. Review status: criteria provided, single submitter. Criteria: ACMG Guidelines, 2015. Collection method: clinical testing. Allele origin: germline. Inheritance: Autosomal dominant inheritance. Affected: yes.
Comment: A heterozygous missense variant was identified, NM_001009999.2(KDM1A):c.160G>A in exon 1 of 21 of the KDM1A gene. This substitution is predicted to create a minor amino acid change from alanine to threonine at position 54 of the protein, NP_001009999.1(KDM1A):p.(Ala54Thr). The alanine at this position has low conservation (100 vertebrates, UCSC), and is not situated in a known functional domain (PDB, NCBI). In silico software predictions of the pathogenicity of this variant are conflicting (PolyPhen, SIFT, CADD, MutationTaster). The variant is not present in the gnomAD population database, however low coverage was observed in this region. The variant has not previously been reported in clinical cases. Based on information available at the time of curation, this variant has been classified as a VARIANT of UNCERTAIN SIGNIFICANCE (VUS) with LOW CLINICAL RELEVANCE.